The following is an entry in ClinVar:

NM_015450.3(POT1):c.1606G>T (p.Val536Leu)

Gene: POT1 (protection of telomeres 1; minus strand). Cytogenetic location: 7q31.33.
Variant type: single nucleotide variant.
Coding change: c.1606G>T on transcript NM_015450.3 (MANE Select); coding-DNA position 1606, G replaced by T.
Protein change: p.Val536Leu; replaces valine 536 with leucine.
Molecular consequence: missense variant. On other transcripts: non-coding transcript variant (3).
Genome position (GRCh38, 1-based): chr7:124,827,294, C>A on the plus strand (G>T on the coding strand, the complement: POT1 is on the minus strand). VCF-style: chr7-124827294-C-A. GRCh37 (hg19) VCF-style: chr7-124467348-C-A.
Other names: c.1606G>T (NM_015450.2); c.1213G>T, p.Val405Leu (NM_001042594.2); short protein forms V405L, V536L.
Identifiers: ClinVar variation 2831211 (VCV002831211.4), dbSNP rs1174783791, ClinGen allele CA369063238.

ClinVar aggregate classification (germline): Uncertain significance. Review status: criteria provided, multiple submitters, no conflicts (2 of 4 stars). 2 submissions from 2 submitters: Uncertain significance (2). Last evaluated 2026-03-02.

Conditions:
Tumor predisposition syndrome 3 (TPDS3). Also called: Melanoma, cutaneous malignant, susceptibility to, 10; LONG TELOMERE SYNDROME, POT1-RELATED; POT1 Tumor Predisposition; Glioma susceptibility 9. Identifiers: Orphanet 618, MedGen C4014476, MONDO:0014368, OMIM 615848.
Hereditary cancer-predisposing syndrome. Also called: Neoplastic Syndromes, Hereditary; Hereditary neoplastic syndrome; Hereditary Cancer Syndrome; Tumor predisposition. Identifiers: Orphanet 140162, MedGen C0027672, MeSH D009386, MONDO:0015356.

Submissions (2):

Ambry Genetics
Classification: Uncertain significance for Hereditary cancer-predisposing syndrome. Last evaluated: 2026-03-02. Review status: criteria provided, single submitter. Criteria: Ambry Variant Classification Scheme 2023. Collection method: clinical testing. Allele origin: germline.
Comment: The p.V536L variant (also known as c.1606G>T), located in coding exon 13 of the POT1 gene, results from a G to T substitution at nucleotide position 1606. The valine at codon 536 is replaced by leucine, an amino acid with highly similar properties. This amino acid position is conserved. In addition, this alteration is predicted to be tolerated by in silico analysis. Based on the available evidence, the clinical significance of this variant remains unclear.

Labcorp Genetics (formerly Invitae), Labcorp
Classification: Uncertain significance for Tumor predisposition syndrome 3. Last evaluated: 2023-01-23. Review status: criteria provided, single submitter. Criteria: Invitae Variant Classification Sherloc (09022015). Collection method: clinical testing. Allele origin: germline.
Comment: In summary, the available evidence is currently insufficient to determine the role of this variant in disease. Therefore, it has been classified as a Variant of Uncertain Significance. Advanced modeling of protein sequence and biophysical properties (such as structural, functional, and spatial information, amino acid conservation, physicochemical variation, residue mobility, and thermodynamic stability) performed at Invitae indicates that this missense variant is not expected to disrupt POT1 protein function. This variant has not been reported in the literature in individuals affected with POT1-related conditions. This variant is not present in population databases (gnomAD no frequency). This sequence change replaces valine, which is neutral and non-polar, with leucine, which is neutral and non-polar, at codon 536 of the POT1 protein (p.Val536Leu).